The following is an entry in ClinVar:

NM_000245.4(MET):c.2265-48G>A

Gene: MET (MET proto-oncogene, receptor tyrosine kinase; plus strand). Cytogenetic location: 7q31.2.
Variant type: single nucleotide variant.
Coding change: c.2265-48G>A on transcript NM_000245.4 (MANE Select); 48 bases into the intron before coding-DNA position 2265, G replaced by A.
Molecular consequence: intron variant. On other transcripts: nonsense (1).
Genome position (GRCh38, 1-based): chr7:116,759,343, G>A. VCF-style: chr7-116759343-G-A. GRCh37 (hg19) VCF-style: chr7-116399397-G-A.
Other names: c.2271G>A, p.Trp757Ter (NM_001127500.3); c.975-48G>A (NM_001324402.2); c.2265-48G>A (NM_001324401.3); short protein forms W757*.
Identifiers: ClinVar variation 1929402 (VCV001929402.5), dbSNP rs587780540, ClinGen allele CA4448441.
Genomic context (GRCh38, chr7:116,759,343, plus strand): 5'-GTGCCTCTGACCTGTAATCAGTGCAGGTGATTAAATTGAATCCCTCTCTTACAGTACTTG[G>A]TGGAAAGAACCTCTCAACATTGTCAGTTTTCTATTTTGCTTTGCCAGTGGTGGGAGCACA-3'

ClinVar aggregate classification (germline): Uncertain significance (1 of 4 stars; one submission).

Conditions:
Renal cell carcinoma. Identifiers: Orphanet 217071, MedGen C0007134, MeSH D002292, MONDO:0005086, HP:0005584.

Allele frequency attached by ClinVar (database versions not stated): ExAC 0.00002.

Submission:

Labcorp Genetics (formerly Invitae), Labcorp
Classification: Uncertain significance for Renal cell carcinoma. Last evaluated: 2024-11-03. Review status: criteria provided, single submitter. Criteria: Invitae Variant Classification Sherloc (09022015). Collection method: clinical testing. Allele origin: germline.
Comment: This sequence change creates a premature translational stop signal (p.Trp757*) in the MET gene. It is expected to result in an absent or disrupted protein product. However, the current clinical and genetic evidence is not sufficient to establish whether loss-of-function variants in MET cause disease. This variant is present in population databases (rs587780540, gnomAD 0.001%). This variant has not been reported in the literature in individuals affected with MET-related conditions. ClinVar contains an entry for this variant (Variation ID: 1929402). In summary, the available evidence is currently insufficient to determine the role of this variant in disease. Therefore, it has been classified as a Variant of Uncertain Significance.